The following is an entry in ClinVar:

NM_000059.4(BRCA2):c.6768T>A (p.Cys2256Ter)

Gene: BRCA2 (BRCA2 DNA repair associated; plus strand). Cytogenetic location: 13q13.1.
Variant type: single nucleotide variant.
Coding change: c.6768T>A on transcript NM_000059.4 (MANE Select); coding-DNA position 6768, T replaced by A.
Protein change: p.Cys2256Ter; replaces cysteine 2256 with a stop codon.
Molecular consequence: nonsense.
Genome position (GRCh38, 1-based): chr13:32,341,123, T>A. VCF-style: chr13-32341123-T-A. GRCh37 (hg19) VCF-style: chr13-32915260-T-A.
Other names: short protein forms C2256*.
Identifiers: ClinVar variation 52180 (VCV000052180.13), dbSNP rs80358901, ClinGen allele CA024394.

ClinVar aggregate classification (germline): Pathogenic. Review status: reviewed by expert panel (3 of 4 stars). 6 submissions from 6 submitters: Pathogenic (1). 5 of the submissions do not count toward it. Last evaluated 2016-09-08.

Conditions:
Breast and/or ovarian cancer. Identifiers: MedGen CN221562.
Hereditary breast ovarian cancer syndrome. Also called: Hereditary breast and ovarian cancer syndrome; Hereditary breast and ovarian cancer; Hereditary breast and ovarian cancer syndrome (HBOC); Breast and ovarian cancer; Hereditary breast and/or ovarian cancer syndrome; BRCA1- and BRCA2-Associated Hereditary Breast and Ovarian Cancer. Identifiers: Orphanet 145, MedGen C0677776, MeSH D061325, MONDO:0003582. Disease mechanism: loss of function.
Breast-ovarian cancer, familial, susceptibility to, 2 (BROVCA2). Also called: BRCA2 Hereditary Breast and Ovarian Cancer. Identifiers: Orphanet 145, MedGen C2675520, MONDO:0012933, OMIM 612555. Disease mechanism: loss of function.

Submissions (6):

Evidence-based Network for the Interpretation of Germline Mutant Alleles (ENIGMA)
Classification: Pathogenic for Breast-ovarian cancer, familial, susceptibility to, 2. Last evaluated: 2016-09-08. Review status: reviewed by expert panel. Criteria: ENIGMA BRCA1/2 Classification Criteria (2015). Collection method: curation. Allele origin: germline.
Comment: Variant allele predicted to encode a truncated non-functional protein.

Labcorp Genetics (formerly Invitae), Labcorp
Classification: Pathogenic for Hereditary breast ovarian cancer syndrome. Last evaluated: 2021-12-24. Review status: criteria provided, single submitter. Criteria: Invitae Variant Classification Sherloc (09022015). Collection method: clinical testing. Allele origin: germline. Not counted in ClinVar's aggregate classification.
Comment: This sequence change creates a premature translational stop signal (p.Cys2256*) in the BRCA2 gene. It is expected to result in an absent or disrupted protein product. Loss-of-function variants in BRCA2 are known to be pathogenic (PMID: 20104584). This variant is not present in population databases (gnomAD no frequency). This premature translational stop signal has been observed in individual(s) with high risk of breast and ovarian cancer (PMID: 29446198). ClinVar contains an entry for this variant (Variation ID: 52180). For these reasons, this variant has been classified as Pathogenic.

Women's Health and Genetics/Laboratory Corporation of America, LabCorp
Classification: Pathogenic for Hereditary breast and ovarian cancer syndrome. Last evaluated: 2019-10-11. Review status: criteria provided, single submitter. Criteria: LabCorp Variant Classification Summary - May 2015. Collection method: clinical testing. Allele origin: germline. Not counted in ClinVar's aggregate classification.
Comment: Variant summary: BRCA2 c.6768T>A (p.Cys2256X) results in a premature termination codon, predicted to cause a truncation of the encoded protein or absence of the protein due to nonsense mediated decay, which are commonly known mechanisms for disease. Truncations downstream of this position have been classified as pathogenic by our laboratory. The variant was absent in 251254 control chromosomes (gnomAD). c.6768T>A has been reported in the literature in individuals affected with Hereditary Breast and Ovarian Cancer (e.g. Rebbeck_2018, Finkelman_2012). These data indicate that the variant may be associated with disease. The variant has also been reported as associated with breast and ovarian cancer in several well known databases (NHGRI_BIC, LOVD). To our knowledge, no experimental evidence demonstrating an impact on protein function has been reported. Two other clinical diagnostic laboratories have submitted clinical-significance assessments for this variant to ClinVar after 2014 without evidence for independent evaluation. Both laboratories classified the variant as pathogenic. Based on the evidence outlined above, the variant was classified as pathogenic.

Consortium of Investigators of Modifiers of BRCA1/2 (CIMBA), c/o University of Cambridge
Classification: Pathogenic for Breast-ovarian cancer, familial, susceptibility to, 2. Last evaluated: 2015-10-02. Review status: criteria provided, single submitter. Criteria: CIMBA Mutation Classification guidelines May 2016. Collection method: clinical testing. Allele origin: germline. Not counted in ClinVar's aggregate classification.

Foulkes Cancer Genetics LDI, Lady Davis Institute for Medical Research
Classification: Pathogenic for Breast and/or ovarian cancer. Last evaluated: 2002-11-25. Review status: no assertion criteria provided. Collection method: clinical testing. Allele origin: germline. Study: The Canadian Open Genetics Repository (COGR). Not counted in ClinVar's aggregate classification.

Breast Cancer Information Core (BIC) (BRCA2)
Classification: Pathogenic for Breast-ovarian cancer, familial 2. Last evaluated: 2002-06-20. Review status: no assertion criteria provided. Collection method: clinical testing. Allele origin: germline. Affected: yes. Observed: 1 variant allele. Not counted in ClinVar's aggregate classification.

Literature cited by the submitters: PubMed 20104584 (cited by Labcorp Genetics (formerly Invitae), Labcorp); PubMed 29446198 (cited by Labcorp Genetics (formerly Invitae), Labcorp and Women's Health and Genetics/Laboratory Corporation of America, LabCorp); PubMed 22430266 (cited by Women's Health and Genetics/Laboratory Corporation of America, LabCorp); PubMed 30702160 (cited by Women's Health and Genetics/Laboratory Corporation of America, LabCorp).